The following is an entry in ClinVar:

NM_145038.5(DRC1):c.2200G>A (p.Val734Met)

Gene: DRC1 (dynein regulatory complex subunit 1; plus strand). Cytogenetic location: 2p23.3.
Variant type: single nucleotide variant.
Coding change: c.2200G>A on transcript NM_145038.5 (MANE Select); coding-DNA position 2200, G replaced by A.
Protein change: p.Val734Met; replaces valine 734 with methionine.
Molecular consequence: missense variant.
Genome position (GRCh38, 1-based): chr2:26,456,494, G>A. VCF-style: chr2-26456494-G-A. GRCh37 (hg19) VCF-style: chr2-26679362-G-A.
Other names: short protein forms V734M.
Identifiers: ClinVar variation 402799 (VCV000402799.19), dbSNP rs35313480, ClinGen allele CA1562580.

ClinVar aggregate classification (germline): Benign/Likely benign. Review status: criteria provided, multiple submitters, no conflicts (2 of 4 stars). 6 submissions from 6 submitters: Benign (5); Likely benign (1). Last evaluated 2026-02-04.

Conditions:
Primary ciliary dyskinesia. Also called: Ciliary dyskinesia. Identifiers: Orphanet 244, MedGen C0008780, MONDO:0016575, HP:0012265.

Allele frequency attached by ClinVar (database versions not stated): 1000 Genomes Project 0.02177; 1000 Genomes Project 30x 0.02342; ExAC 0.04060; gnomAD exomes 0.04108 and 0.05490; gnomAD 0.04151 and 0.04241; TOPMed 0.04369; ESP Exome Variant Server 0.04544.
gnomAD v4.1: 86,526 of 1,614,084 alleles (5.4%); highest among the groups gnomAD compares: Non-Finnish European, 6.2%; 2,640 homozygotes.

Submissions (6):

Labcorp Genetics (formerly Invitae), Labcorp
Classification: Benign for Primary ciliary dyskinesia. Last evaluated: 2026-02-04. Review status: criteria provided, single submitter. Criteria: Invitae Variant Classification Sherloc (09022015). Collection method: clinical testing. Allele origin: germline.

Blueprint Genetics
Classification: Likely benign. Last evaluated: 2024-11-26. Review status: criteria provided, single submitter. Criteria: ACMG Guidelines, 2015. Collection method: clinical testing. Allele origin: germline.

Mayo Clinic Laboratories, Mayo Clinic
Classification: Benign. Last evaluated: 2022-04-26. Review status: criteria provided, single submitter. Criteria: ACMG Guidelines, 2015. Collection method: clinical testing. Allele origin: germline. Observed: 15 variant alleles.

GeneDx
Classification: Benign. Last evaluated: 2018-07-09. Review status: criteria provided, single submitter. Criteria: GeneDx Variant Classification Process June 2021. Collection method: clinical testing. Allele origin: germline. Affected: yes.

Laboratory for Molecular Medicine, Mass General Brigham Personalized Medicine
Classification: Benign. Last evaluated: 2016-03-29. Review status: criteria provided, single submitter. Criteria: LMM Criteria. Collection method: clinical testing. Allele origin: germline.
Comment: Variant identified in a genome or exome case(s) and assessed due to predicted null impact of the variant or pathogenic assertions in the literature or databases. Disclaimer: This variant has not undergone full assessment. The following are preliminary notes: Frequency

Breakthrough Genomics
Classification: Benign. Review status: criteria provided, single submitter. Criteria: ACMG Guidelines, 2015. Collection method: not provided. Allele origin: germline. Inheritance: Autosomal recessive inheritance. Affected: yes.